The following is an entry in ClinVar:

NM_032578.4(MYPN):c.1676A>C (p.Gln559Pro)

Gene: MYPN (myopalladin; plus strand). Cytogenetic location: 10q21.3.
Variant type: single nucleotide variant.
Coding change: c.1676A>C on transcript NM_032578.4 (MANE Select); coding-DNA position 1676, A replaced by C.
Protein change: p.Gln559Pro; replaces glutamine 559 with proline.
Molecular consequence: missense variant. On other transcripts: non-coding transcript variant (2).
Genome position (GRCh38, 1-based): chr10:68,166,369, A>C. VCF-style: chr10-68166369-A-C. GRCh37 (hg19) VCF-style: chr10-69926126-A-C.
Other names: c.1676A>C, p.Gln559Pro (NM_001256267.2); c.794A>C, p.Gln265Pro (NM_001256268.2); c.1676A>C (NM_032578.2); short protein forms Q559P, Q265P.
Identifiers: ClinVar variation 477742 (VCV000477742.9), dbSNP rs1187897430, ClinGen allele CA376839699.

ClinVar aggregate classification (germline): Uncertain significance. Review status: criteria provided, multiple submitters, no conflicts (2 of 4 stars). 3 submissions from 3 submitters: Uncertain significance (3). Last evaluated 2024-04-27.

Conditions:
Cardiovascular phenotype. Identifiers: MedGen CN230736.
Dilated cardiomyopathy 1KK (CMD1KK). Identifiers: Orphanet 154, Orphanet 75249, MedGen C3714995, MONDO:0014100, OMIM 615248.
MYPN-related myopathy (CMYO24). Also called: Nemaline myopathy 11, autosomal recessive. Identifiers: MedGen C4479186, MONDO:0015023, OMIM 617336.

Allele frequency attached by ClinVar (database versions not stated): gnomAD exomes below 0.00001 and 0.00002; TOPMed below 0.00001.
gnomAD v4.1: 34 of 1,614,094 alleles (0.0021%); highest among the groups gnomAD compares: Non-Finnish European, 0.0029%; no homozygotes.

Submissions (3):

Ambry Genetics
Classification: Uncertain significance for Cardiovascular phenotype. Last evaluated: 2024-04-27. Review status: criteria provided, single submitter. Criteria: Ambry Variant Classification Scheme 2023. Collection method: clinical testing. Allele origin: germline.
Comment: The p.Q559P variant (also known as c.1676A>C), located in coding exon 9 of the MYPN gene, results from an A to C substitution at nucleotide position 1676. The glutamine at codon 559 is replaced by proline, an amino acid with similar properties. This amino acid position is conserved. In addition, this alteration is predicted to be tolerated by in silico analysis. Based on the available evidence, the clinical significance of this variant remains unclear.

Fulgent Genetics
Classification: Uncertain significance for Dilated cardiomyopathy 1KK; MYPN-related myopathy. Last evaluated: 2021-07-26. Review status: criteria provided, single submitter. Criteria: ACMG Guidelines, 2015. Collection method: clinical testing. Allele origin: unknown.

Labcorp Genetics (formerly Invitae), Labcorp
Classification: Uncertain significance for Dilated cardiomyopathy 1KK. Last evaluated: 2017-04-10. Review status: criteria provided, single submitter. Criteria: Invitae Variant Classification Sherloc (09022015). Collection method: clinical testing. Allele origin: germline.
Comment: This sequence change replaces glutamine with proline at codon 559 of the MYPN protein (p.Gln559Pro). The glutamine residue is moderately conserved and there is a moderate physicochemical difference between glutamine and proline. Algorithms developed to predict the effect of missense changes on protein structure and function do not agree on the potential impact of this missense change (SIFT: "Deleterious"; PolyPhen-2: "Benign"; Align-GVGD: "Class C15"). This variant is not present in population databases (ExAC no frequency) and has not been reported in the literature in individuals with a MYPN-related disease. In summary, this variant is a novel missense change with uncertain impact on protein function. It has been classified as a Variant of Uncertain Significance.